The following is an entry in ClinVar:

NM_014339.7(IL17RA):c.*5677C>A

Gene: IL17RA (interleukin 17 receptor A; plus strand). Cytogenetic location: 22q11.1.
Variant type: single nucleotide variant.
Coding change: c.*5677C>A on transcript NM_014339.7 (MANE Select); 5677 bases downstream of the stop codon, C replaced by A.
Molecular consequence: 3 prime UTR variant.
Genome position (GRCh38, 1-based): chr22:17,115,497, C>A. VCF-style: chr22-17115497-C-A. GRCh37 (hg19) VCF-style: chr22-17596387-C-A.
Other names: c.*5677C>A (NM_001289905.2).
Identifiers: ClinVar variation 340735 (VCV000340735.5), dbSNP rs559845151, ClinGen allele CA10653189.
Genomic context (GRCh38, chr22:17,115,497, plus strand): 5'-GCTCAGGCTCCCAGGAGCTTCCACTCTCAGACCTTGCCTCCCGGGCTGCCCTGAGTGAAA[C>A]GCCTGCTTAGCATTTGGCACAGCCAGAAGCAGCAAGCTAGGGTCACAACACAGAGAGGGG-3'

ClinVar aggregate classification (germline): Likely benign (1 of 4 stars; one submission).

Conditions:
Immunodeficiency 51 (IMD51). Also called: CANDIDIASIS, FAMILIAL, 5. Identifiers: Orphanet 1334, MedGen C4310803, MONDO:0013500, OMIM 613953.

Allele frequency attached by ClinVar (database versions not stated): 1000 Genomes Project 0.00260; 1000 Genomes Project 30x 0.00281; gnomAD 0.00452; TOPMed 0.00524.

Submission:

Illumina Laboratory Services, Illumina
Classification: Likely benign for Immunodeficiency 51. Last evaluated: 2018-01-13. Review status: criteria provided, single submitter. Criteria: ICSL Variant Classification Criteria 13 December 2019. Collection method: clinical testing. Allele origin: germline.
Comment: This variant was observed in the ICSL laboratory as part of a predisposition screen in an ostensibly healthy population. It had not been previously curated by ICSL or reported in the Human Gene Mutation Database (HGMD: prior to June 1st, 2018), and was therefore a candidate for classification through an automated scoring system. Utilizing variant allele frequency, disease prevalence and penetrance estimates, and inheritance mode, an automated score was calculated to assess if this variant is too frequent to cause the disease. Based on the score and internal cut-off values, a variant classified as likely benign is not then subjected to further curation. The score for this variant resulted in a classification of likely benign for this disease.